The following is an entry in ClinVar:

NM_031471.6(FERMT3):c.1507G>A (p.Val503Ile)

Gene: FERMT3 (FERM domain containing kindlin 3; plus strand). Cytogenetic location: 11q13.1.
Variant type: single nucleotide variant.
Coding change: c.1507G>A on transcript NM_031471.6 (MANE Select); coding-DNA position 1507, G replaced by A.
Protein change: p.Val503Ile; replaces valine 503 with isoleucine.
Molecular consequence: missense variant.
Genome position (GRCh38, 1-based): chr11:64,220,631, G>A. VCF-style: chr11-64220631-G-A. GRCh37 (hg19) VCF-style: chr11-63988103-G-A.
Other names: c.1507G>A, p.Val503Ile (NM_001382361.1, NM_001382448.1); c.1519G>A, p.Val507Ile (NM_001382362.1, NM_178443.3); c.967G>A, p.Val323Ile (NM_001382363.1); c.979G>A, p.Val327Ile (NM_001382364.1); short protein forms V503I, V507I, V323I, V327I.
Identifiers: ClinVar variation 859362 (VCV000859362.7), dbSNP rs769458086, ClinGen allele CA6069184.

ClinVar aggregate classification (germline): Uncertain significance (1 of 4 stars; one submission).

Conditions:
Leukocyte adhesion deficiency 3. Also called: INTEGRIN ACTIVATION DEFICIENCY DISEASE; LEUKOCYTE ADHESION DEFICIENCY 1 VARIANT; Leukocyte adhesion deficiency, type III. Identifiers: Orphanet 2968, Orphanet 99844, MedGen C2748536, MONDO:0013016, OMIM 612840.

Allele frequency attached by ClinVar (database versions not stated): TOPMed below 0.00001; gnomAD 0.00001; gnomAD exomes 0.00001 and 0.00002; ExAC 0.00002.
gnomAD v4.1: 26 of 1,611,372 alleles (0.0016%); highest among the groups gnomAD compares: South Asian, 0.0022%; no homozygotes.

Submission:

Labcorp Genetics (formerly Invitae), Labcorp
Classification: Uncertain significance for Leukocyte adhesion deficiency 3. Last evaluated: 2019-11-27. Review status: criteria provided, single submitter. Criteria: Invitae Variant Classification Sherloc (09022015). Collection method: clinical testing. Allele origin: germline.
Comment: In summary, the available evidence is currently insufficient to determine the role of this variant in disease. Therefore, it has been classified as a Variant of Uncertain Significance. Algorithms developed to predict the effect of missense changes on protein structure and function are either unavailable or do not agree on the potential impact of this missense change (SIFT: "Tolerated"; PolyPhen-2: "Possibly Damaging"; Align-GVGD: "Class C0"). This variant has not been reported in the literature in individuals with FERMT3-related conditions. This variant is present in population databases (rs769458086, ExAC 0.004%). This sequence change replaces valine with isoleucine at codon 503 of the FERMT3 protein (p.Val503Ile). The valine residue is moderately conserved and there is a small physicochemical difference between valine and isoleucine.